The following is an entry in ClinVar:

NM_003036.4(SKI):c.1243G>A (p.Val415Met)

Gene: SKI (SKI proto-oncogene; plus strand). Cytogenetic location: 1p36.32.
Variant type: single nucleotide variant.
Coding change: c.1243G>A on transcript NM_003036.4 (MANE Select); coding-DNA position 1243, G replaced by A.
Protein change: p.Val415Met; replaces valine 415 with methionine.
Molecular consequence: missense variant.
Genome position (GRCh38, 1-based): chr1:2,303,871, G>A. VCF-style: chr1-2303871-G-A. GRCh37 (hg19) VCF-style: chr1-2235310-G-A.
Other names: short protein forms V415M.
Identifiers: ClinVar variation 222821 (VCV000222821.31), dbSNP rs770481744, ClinGen allele CA068622.
Genomic context (GRCh38, chr1:2,303,871, plus strand): 5'-ACCTTCCCGACACCCGCCTGCCCCTCCAGCTTCTACTCCTACAAGAGCTTTGAGACAGCC[G>A]TGGCGCCCAACGTGGCCCTCGCACCGCCGGCCCAGCAGAAGGTTGTGAGCAGCCCTCCGT-3'
Protein context (NP_003027.1, residues 405-425): FYSYKSFETA[Val415Met]APNVALAPPA

ClinVar aggregate classification (germline): Uncertain significance. Review status: criteria provided, multiple submitters, no conflicts (2 of 4 stars). 2 submissions from 2 submitters: Uncertain significance (2). Last evaluated 2025-01-11.

Conditions:
Shprintzen-Goldberg syndrome (SGS). Also called: SHPRINTZEN-GOLDBERG CRANIOSYNOSTOSIS SYNDROME; Marfanoid disorder with craniosynostosis type 1; Marfanoid craniosynostosis syndrome; Shprintzen-Goldberg marfanoid syndrome; CRANIOSYNOSTOSIS WITH ARACHNODACTYLY AND ABDOMINAL HERNIAS. Identifiers: Orphanet 2462, MedGen C1321551, MONDO:0008426, OMIM 182212.

Allele frequency attached by ClinVar (database versions not stated): gnomAD exomes 0.00001; ExAC 0.00002.

Submissions (2):

Labcorp Genetics (formerly Invitae), Labcorp
Classification: Uncertain significance for Shprintzen-Goldberg syndrome. Last evaluated: 2025-01-11. Review status: criteria provided, single submitter. Criteria: Invitae Variant Classification Sherloc (09022015). Collection method: clinical testing. Allele origin: germline.
Comment: This sequence change replaces valine, which is neutral and non-polar, with methionine, which is neutral and non-polar, at codon 415 of the SKI protein (p.Val415Met). The frequency data for this variant in the population databases is considered unreliable, as metrics indicate poor data quality at this position in the gnomAD database. This variant has not been reported in the literature in individuals affected with SKI-related conditions. ClinVar contains an entry for this variant (Variation ID: 222821). Invitae Evidence Modeling of protein sequence and biophysical properties (such as structural, functional, and spatial information, amino acid conservation, physicochemical variation, residue mobility, and thermodynamic stability) indicates that this missense variant is not expected to disrupt SKI protein function with a negative predictive value of 95%. In summary, the available evidence is currently insufficient to determine the role of this variant in disease. Therefore, it has been classified as a Variant of Uncertain Significance.

CeGaT Center for Human Genetics Tuebingen
Classification: Uncertain significance. Last evaluated: 2023-11-01. Review status: criteria provided, single submitter. Criteria: CeGaT Center For Human Genetics Tuebingen Variant Classification Criteria Version 2. Collection method: clinical testing. Allele origin: germline. Affected: yes. Observed: 1 variant allele.